The following is an entry in ClinVar:

ClinVar aggregate classification (germline): Uncertain significance (1 of 4 stars; one submission).

Conditions:
Hereditary cancer-predisposing syndrome. Also called: Tumor predisposition; Hereditary Cancer Syndrome; Hereditary neoplastic syndrome; Neoplastic Syndromes, Hereditary. Identifiers: Orphanet 140162, MedGen C0027672, MeSH D009386, MONDO:0015356.

Allele frequency attached by ClinVar (database versions not stated): TOPMed below 0.00001.

Submission:

Ambry Genetics
Classification: Uncertain significance for Hereditary cancer-predisposing syndrome. Last evaluated: 2023-06-21. Review status: criteria provided, single submitter. Criteria: Ambry Variant Classification Scheme 2023. Collection method: clinical testing. Allele origin: germline.
Comment: The p.S935C variant (also known as c.2804C>G), located in coding exon 4 of the MSH6 gene, results from a C to G substitution at nucleotide position 2804. The serine at codon 935 is replaced by cysteine, an amino acid with dissimilar properties. This amino acid position is conserved. In addition, the in silico prediction for this alteration is inconclusive. Since supporting evidence is limited at this time, the clinical significance of this alteration remains unclear.

NM_000179.3(MSH6):c.2804C>G (p.Ser935Cys)

Gene: MSH6 (mutS homolog 6; plus strand). Cytogenetic location: 2p16.3.
Variant type: single nucleotide variant.
Coding change: c.2804C>G on transcript NM_000179.3 (MANE Select); coding-DNA position 2804, C replaced by G.
Protein change: p.Ser935Cys; replaces serine 935 with cysteine.
Molecular consequence: missense variant. On other transcripts: non-coding transcript variant (5), intron variant (2).
Genome position (GRCh38, 1-based): chr2:47,800,787, C>G. VCF-style: chr2-47800787-C-G. GRCh37 (hg19) VCF-style: chr2-48027926-C-G.
Other names: c.2414C>G, p.Ser805Cys (NM_001281492.2); c.1898C>G, p.Ser633Cys (NM_001281493.2, NM_001281494.2, NM_001406811.1 and 6 more transcripts); c.2900C>G, p.Ser967Cys (NM_001406795.1, NM_001406802.1); c.2804C>G, p.Ser935Cys (NM_001406796.1, NM_001406798.1, NM_001406800.1 and 2 more transcripts); c.2507C>G, p.Ser836Cys (NM_001406797.1, NM_001406801.1, NM_001406805.1 and 10 more transcripts); c.2279C>G, p.Ser760Cys (NM_001406799.1, NM_001406806.1, NM_001406807.1); c.2726C>G, p.Ser909Cys (NM_001406804.1); c.2810C>G, p.Ser937Cys (NM_001406813.1); and 4 more; short protein forms S250C, S760C, S937C, S633C, S967C, S805C, S879C, S909C.
Identifiers: ClinVar variation 2587322 (VCV002587322.2), dbSNP rs1553414162, ClinGen allele CA346755597.